The following is an entry in ClinVar:

NM_002203.4(ITGA2):c.1602+3A>G

Gene: ITGA2 (integrin subunit alpha 2; plus strand). Cytogenetic location: 5q11.2.
Variant type: single nucleotide variant.
Coding change: c.1602+3A>G on transcript NM_002203.4 (MANE Select); 3 bases into the intron after coding-DNA position 1602, A replaced by G.
Molecular consequence: intron variant.
Genome position (GRCh38, 1-based): chr5:53,062,932, A>G. VCF-style: chr5-53062932-A-G. GRCh37 (hg19) VCF-style: chr5-52358762-A-G.
Identifiers: ClinVar variation 353755 (VCV000353755.6), dbSNP rs201610232, ClinGen allele CA3262938.

ClinVar aggregate classification (germline): Benign/Likely benign. Review status: criteria provided, multiple submitters, no conflicts (2 of 4 stars). 2 submissions from 2 submitters: Benign (1); Likely benign (1). Last evaluated 2025-05-10.

Conditions:
Platelet-type bleeding disorder 9 (BDPLT9). Also called: GLYCOPROTEIN Ia DEFICIENCY; GP Ia DEFICIENCY; COLLAGEN PLATELET RECEPTOR DEFICIENCY. Identifiers: Orphanet 73271, Orphanet 98886, MedGen C3280114, MONDO:0013622, OMIM 614200.
ITGA2-related disorder. Also called: ITGA2-related condition.

Allele frequency attached by ClinVar (database versions not stated): 1000 Genomes Project 0.00040; ExAC 0.00327.
gnomAD v4.1: 491 of 405,630 alleles (0.12%); highest among the groups gnomAD compares: South Asian, 2.3%; 3 homozygotes.

Submissions (2):

PreventionGenetics, part of Exact Sciences
Classification: Likely benign for ITGA2-related condition. Last evaluated: 2025-05-10. Review status: criteria provided, single submitter. Criteria: ACMG Guidelines, 2015. Collection method: clinical testing. Allele origin: germline.
Comment: This variant is classified as likely benign based on ACMG/AMP sequence variant interpretation guidelines (Richards et al. 2015 PMID: 25741868, with internal and published modifications).

Illumina Laboratory Services, Illumina
Classification: Benign for Platelet-type bleeding disorder 9. Last evaluated: 2018-01-13. Review status: criteria provided, single submitter. Criteria: ICSL Variant Classification Criteria 13 December 2019. Collection method: clinical testing. Allele origin: germline.
Comment: This variant was observed in the ICSL laboratory as part of a predisposition screen in an ostensibly healthy population. It had not been previously curated by ICSL or reported in the Human Gene Mutation Database (HGMD: prior to June 1st, 2018), and was therefore a candidate for classification through an automated scoring system. Utilizing variant allele frequency, disease prevalence and penetrance estimates, and inheritance mode, an automated score was calculated to assess if this variant is too frequent to cause the disease. Based on the score and internal cut-off values, a variant classified as benign is not then subjected to further curation. The score for this variant resulted in a classification of benign for this disease.